The following is an entry in ClinVar:

ClinVar aggregate classification (germline): Uncertain significance (1 of 4 stars; one submission).

Conditions:
Inborn genetic diseases. Identifiers: MedGen C0950123, MeSH D030342.

Allele frequency attached by ClinVar (database versions not stated): gnomAD exomes below 0.00001; gnomAD 0.00001.
gnomAD v4.1: 2 of 1,613,930 alleles (0.00012%); highest among the groups gnomAD compares: Non-Finnish European, 0.00017%; no homozygotes.

Submission:

Ambry Genetics
Classification: Uncertain significance for Inborn genetic diseases. Last evaluated: 2021-10-04. Review status: criteria provided, single submitter. Criteria: Ambry Variant Classification Scheme 2023. Collection method: clinical testing. Allele origin: germline.
Comment: The p.S1822P variant (also known as c.5464T>C), located in coding exon 32 of the ATR gene, results from a T to C substitution at nucleotide position 5464. The serine at codon 1822 is replaced by proline, an amino acid with similar properties. This amino acid position is conserved. In addition, this alteration is predicted to be tolerated by in silico analysis. Since supporting evidence is limited at this time, the clinical significance of this alteration remains unclear.

NM_001184.4(ATR):c.5464T>C (p.Ser1822Pro)

Gene: ATR (ATR checkpoint kinase; minus strand). Cytogenetic location: 3q23.
Variant type: single nucleotide variant.
Coding change: c.5464T>C on transcript NM_001184.4 (MANE Select); coding-DNA position 5464, T replaced by C.
Protein change: p.Ser1822Pro; replaces serine 1822 with proline.
Molecular consequence: missense variant.
Genome position (GRCh38, 1-based): chr3:142,498,691, A>G on the plus strand (T>C on the coding strand, the complement: ATR is on the minus strand). VCF-style: chr3-142498691-A-G. GRCh37 (hg19) VCF-style: chr3-142217533-A-G.
Other names: c.5272T>C, p.Ser1758Pro (NM_001354579.2); short protein forms S1822P, S1758P.
Identifiers: ClinVar variation 1747687 (VCV001747687.2), dbSNP rs1299303517, ClinGen allele CA354815888.